The following is an entry in ClinVar:

NM_020829.4(RIC1):c.826G>A (p.Val276Ile)

Gene: RIC1 (RIC1 homolog, RAB6A GEF complex partner 1; plus strand). Cytogenetic location: 9p24.1.
Variant type: single nucleotide variant.
Coding change: c.826G>A on transcript NM_020829.4 (MANE Select); coding-DNA position 826, G replaced by A.
Protein change: p.Val276Ile; replaces valine 276 with isoleucine.
Molecular consequence: missense variant.
Genome position (GRCh38, 1-based): chr9:5,738,463, G>A. VCF-style: chr9-5738463-G-A. GRCh37 (hg19) VCF-style: chr9-5738463-G-A.
Other names: c.826G>A, p.Val276Ile (NM_001135920.4, NM_001206557.2); short protein forms V276I.
Identifiers: ClinVar variation 3376208 (VCV003376208.1).

ClinVar aggregate classification (germline): Uncertain significance (1 of 4 stars; one submission).

Conditions:
Catifa syndrome. Also called: CLEFT LIP, CATARACT, TOOTH ABNORMALITY, IMPAIRED INTELLECTUAL DEVELOPMENT, FACIAL DYSMORPHISM, AND ATTENTION-DEFICIT HYPERACTIVITY DISORDER. Identifiers: MedGen C5231492, MONDO:0032901, OMIM 618761.

gnomAD v4.1: 9 of 1,602,090 alleles (0.00056%); highest among the groups gnomAD compares: Non-Finnish European, 0.00068%; no homozygotes.

Submission:

Pittsburgh Clinical Genomics Laboratory, University of Pittsburgh Medical Center
Classification: Uncertain significance for Catifa syndrome. Last evaluated: 2022-09-12. Review status: criteria provided, single submitter. Criteria: ACMG Guidelines, 2015. Collection method: clinical testing. Allele origin: germline. Inheritance: Autosomal recessive inheritance. Affected: yes.
Comment: This sequence variant is a single nucleotide substitution (G>A) at coding nucleotide 826 in the RIC1 gene which results in a valine to isoleucine amino acid change at residue 276 in the RIC1 protein. This variant has not been reported in clinical genetics databases or observed in the medical literature in individuals with RIC1-related disease, to our knowledge. This variant is present in 1/244404 alleles (0.0004%) in the gnomAD control population database. Multiple bioinformatic tools are inconsistent in their predictions if this variant is likely to be damaging or tolerated, though valine is highly conserved at this protein position in vertebrates. Functiol studies testing the effects of this variant have not been performed, to our knowledge. At this time, there is insufficient evidence to determine if this variant is pathogenic or benign. Therefore, we consider it to be a variant of uncertain significance. ACMG Criteria: PM2